The following is an entry in ClinVar:

ClinVar aggregate classification (germline): Uncertain significance. Review status: criteria provided, multiple submitters, no conflicts (2 of 4 stars). 4 submissions from 4 submitters: Uncertain significance (4). Last evaluated 2025-11-12.

Conditions:
Hereditary cancer-predisposing syndrome. Also called: Neoplastic Syndromes, Hereditary; Hereditary Cancer Syndrome; Hereditary neoplastic syndrome; Tumor predisposition. Identifiers: Orphanet 140162, MedGen C0027672, MeSH D009386, MONDO:0015356.
Melanoma, cutaneous malignant, susceptibility to, 3. Also called: Cutaneous malignant melanoma 3. Identifiers: Orphanet 618, MedGen C1836892, MONDO:0012183, OMIM 609048.
Familial melanoma. Also called: Hereditary melanoma; Hereditary cutaneous melanoma. Identifiers: Orphanet 618, MedGen C1512419, MONDO:0018961.

Allele frequency attached by ClinVar (database versions not stated): gnomAD exomes below 0.00001; TOPMed below 0.00001.

Submissions (4):

Ambry Genetics
Classification: Uncertain significance for Hereditary cancer-predisposing syndrome. Last evaluated: 2025-11-12. Review status: criteria provided, single submitter. Criteria: Ambry Variant Classification Scheme 2023. Collection method: clinical testing. Allele origin: germline.
Comment: The p.E7K variant (also known as c.19G>A), located in coding exon 1 of the CDK4 gene, results from a G to A substitution at nucleotide position 19. The glutamic acid at codon 7 is replaced by lysine, an amino acid with similar properties. This amino acid position is conserved. In addition, this alteration is predicted to be tolerated by in silico analysis. Based on the available evidence, the clinical significance of this variant remains unclear.

Labcorp Genetics (formerly Invitae), Labcorp
Classification: Uncertain significance for Familial melanoma. Last evaluated: 2025-09-03. Review status: criteria provided, single submitter. Criteria: Invitae Variant Classification Sherloc (09022015). Collection method: clinical testing. Allele origin: germline.
Comment: This sequence change replaces glutamic acid, which is acidic and polar, with lysine, which is basic and polar, at codon 7 of the CDK4 protein (p.Glu7Lys). This variant is not present in population databases (gnomAD no frequency). This variant has not been reported in the literature in individuals affected with CDK4-related conditions. ClinVar contains an entry for this variant (Variation ID: 463463). Invitae Evidence Modeling of protein sequence and biophysical properties (such as structural, functional, and spatial information, amino acid conservation, physicochemical variation, residue mobility, and thermodynamic stability) indicates that this missense variant is not expected to disrupt CDK4 protein function with a negative predictive value of 95%. In summary, the available evidence is currently insufficient to determine the role of this variant in disease. Therefore, it has been classified as a Variant of Uncertain Significance.

GeneDx
Classification: Uncertain significance. Last evaluated: 2023-11-07. Review status: criteria provided, single submitter. Criteria: GeneDx Variant Classification Process June 2021. Collection method: clinical testing. Allele origin: germline. Affected: yes.
Comment: Not observed at significant frequency in large population cohorts (gnomAD); In silico analysis supports that this missense variant has a deleterious effect on protein structure/function; Observed in 0/1229 biliary tract cancer cases and in at least 1/37583 cancer-free controls (PMID: 36243179); This variant is associated with the following publications: (PMID: 36243179)

Mendelics
Classification: Uncertain significance for Cutaneous malignant melanoma 3. Last evaluated: 2018-07-02. Review status: criteria provided, single submitter. Criteria: Mendelics Assertion Criteria 2017. Collection method: clinical testing. Allele origin: unknown.

NM_000075.4(CDK4):c.19G>A (p.Glu7Lys)

Gene: CDK4 (cyclin dependent kinase 4; minus strand). Cytogenetic location: 12q14.1.
Variant type: single nucleotide variant.
Coding change: c.19G>A on transcript NM_000075.4 (MANE Select); coding-DNA position 19, G replaced by A.
Protein change: p.Glu7Lys; replaces glutamic acid 7 with lysine.
Molecular consequence: missense variant.
Genome position (GRCh38, 1-based): chr12:57,751,699, C>T on the plus strand (G>A on the coding strand, the complement: CDK4 is on the minus strand). VCF-style: chr12-57751699-C-T. GRCh37 (hg19) VCF-style: chr12-58145482-C-T.
Other names: c.19G>A (NM_000075.2); short protein forms E7K.
Identifiers: ClinVar variation 463463 (VCV000463463.14), dbSNP rs1000052939, ClinGen allele CA237844611.
Genomic context (GRCh38, chr12:57,751,699, plus strand): 5'-GGGGATCACGGGCCTTGTACACTGTCCCATAGGCACCGACACCAATTTCAGCCACTGGCT[C>T]ATATCGAGAGGTAGCCATTCTCAGATCAAGGGAGACCCTACAATCACAGACTCCTATCAC-3'
Protein context (NP_000066.1, residues 1-17): MATSRY[Glu7Lys]PVAEIGVGAY